The following is an entry in ClinVar:

ClinVar aggregate classification (germline): Uncertain significance (1 of 4 stars; one submission).

Allele frequency attached by ClinVar (database versions not stated): gnomAD exomes 0.00002 and 0.00006; ExAC 0.00008; TOPMed 0.00022; gnomAD 0.00023 and 0.00024; ESP Exome Variant Server 0.00046; 1000 Genomes Project 30x 0.00078; 1000 Genomes Project 0.00080.
gnomAD v4.1: 66 of 1,613,776 alleles (0.0041%); highest among the groups gnomAD compares: African/African-American, 0.085%; no homozygotes.

Submission:

Labcorp Genetics (formerly Invitae), Labcorp
Classification: Uncertain significance. Last evaluated: 2025-10-03. Review status: criteria provided, single submitter. Criteria: Invitae Variant Classification Sherloc (09022015). Collection method: clinical testing. Allele origin: germline.
Comment: This sequence change replaces alanine, which is neutral and non-polar, with valine, which is neutral and non-polar, at codon 555 of the TMTC3 protein (p.Ala555Val). This variant is present in population databases (rs151189566, gnomAD 0.09%). This variant has not been reported in the literature in individuals affected with TMTC3-related conditions. ClinVar contains an entry for this variant (Variation ID: 1520530). An algorithm developed to predict the effect of missense changes on protein structure and function (PolyPhen-2) suggests that this variant is likely to be disruptive. In summary, the available evidence is currently insufficient to determine the role of this variant in disease. Therefore, it has been classified as a Variant of Uncertain Significance.

NM_181783.4(TMTC3):c.1664C>T (p.Ala555Val)

Gene: TMTC3 (transmembrane O-mannosyltransferase targeting cadherins 3; plus strand). Cytogenetic location: 12q21.32.
Variant type: single nucleotide variant.
Coding change: c.1664C>T on transcript NM_181783.4 (MANE Select); coding-DNA position 1664, C replaced by T.
Protein change: p.Ala555Val; replaces alanine 555 with valine.
Molecular consequence: missense variant. On other transcripts: non-coding transcript variant (1).
Genome position (GRCh38, 1-based): chr12:88,190,580, C>T. VCF-style: chr12-88190580-C-T. GRCh37 (hg19) VCF-style: chr12-88584357-C-T.
Other names: c.1484C>T, p.Ala495Val (NM_001366574.1); c.1445C>T, p.Ala482Val (NM_001366579.1); c.1397C>T, p.Ala466Val (NM_001366580.1); c.971C>T, p.Ala324Val (NM_001366583.1); short protein forms A324V, A555V, A466V, A495V, A482V.
Identifiers: ClinVar variation 1520530 (VCV001520530.7), dbSNP rs151189566, ClinGen allele CA6713340.